The following is an entry in ClinVar:

NM_004423.4(DVL3):c.1295T>C (p.Met432Thr)

Gene: DVL3 (dishevelled segment polarity protein 3; plus strand). Cytogenetic location: 3q27.1.
Variant type: single nucleotide variant.
Coding change: c.1295T>C on transcript NM_004423.4 (MANE Select); coding-DNA position 1295, T replaced by C.
Protein change: p.Met432Thr; replaces methionine 432 with threonine.
Molecular consequence: missense variant.
Genome position (GRCh38, 1-based): chr3:184,167,676, T>C. VCF-style: chr3-184167676-T-C. GRCh37 (hg19) VCF-style: chr3-183885464-T-C.
Other names: short protein forms M432T.
Identifiers: ClinVar variation 2119087 (VCV002119087.4), dbSNP rs2473702288, ClinGen allele CA355411565.

ClinVar aggregate classification (germline): Uncertain significance (1 of 4 stars; one submission).

Submission:

Labcorp Genetics (formerly Invitae), Labcorp
Classification: Uncertain significance. Last evaluated: 2022-04-25. Review status: criteria provided, single submitter. Criteria: Invitae Variant Classification Sherloc (09022015). Collection method: clinical testing. Allele origin: germline.
Comment: In summary, the available evidence is currently insufficient to determine the role of this variant in disease. Therefore, it has been classified as a Variant of Uncertain Significance. Algorithms developed to predict the effect of missense changes on protein structure and function are either unavailable or do not agree on the potential impact of this missense change (SIFT: "Deleterious"; PolyPhen-2: "Probably Damaging"; Align-GVGD: "Class C0"). This variant has not been reported in the literature in individuals affected with DVL3-related conditions. This variant is not present in population databases (gnomAD no frequency). This sequence change replaces methionine, which is neutral and non-polar, with threonine, which is neutral and polar, at codon 432 of the DVL3 protein (p.Met432Thr).